The following is an entry in ClinVar:

NM_001365536.1(SCN9A):c.854C>T (p.Thr285Ile)

Gene: SCN9A (sodium voltage-gated channel alpha subunit 9; minus strand). Cytogenetic location: 2q24.3.
Variant type: single nucleotide variant.
Coding change: c.854C>T on transcript NM_001365536.1 (MANE Select); coding-DNA position 854, C replaced by T.
Protein change: p.Thr285Ile; replaces threonine 285 with isoleucine.
Molecular consequence: missense variant.
Genome position (GRCh38, 1-based): chr2:166,303,137, G>A on the plus strand (C>T on the coding strand, the complement: SCN9A is on the minus strand). VCF-style: chr2-166303137-G-A. GRCh37 (hg19) VCF-style: chr2-167159647-G-A.
Other names: c.854C>T, p.Thr285Ile (NM_002977.4); short protein forms T285I.
Identifiers: ClinVar variation 649291 (VCV000649291.7), dbSNP rs1574901070, ClinGen allele CA349092431.

ClinVar aggregate classification (germline): Uncertain significance (1 of 4 stars; one submission).

Conditions:
Neuropathy, hereditary sensory and autonomic, type 2A (HSAN2A). Also called: WNK1-Related HSAN2 (HSAN2A); MORVAN DISEASE; NEUROPATHY, CONGENITAL SENSORY; NEUROPATHY, HEREDITARY SENSORY RADICULAR, AUTOSOMAL RECESSIVE; NEUROPATHY, HEREDITARY SENSORY, TYPE IIA; NEUROPATHY, PROGRESSIVE SENSORY, OF CHILDREN. Identifiers: Orphanet 970, MedGen C2752089, MONDO:0024309, OMIM 201300.
Generalized epilepsy with febrile seizures plus, type 7 (GEFSP7). Also called: GEFS+, TYPE 7. Identifiers: Orphanet 36387, MedGen C2751778, MONDO:0013470, OMIM 613863.

Submission:

Labcorp Genetics (formerly Invitae), Labcorp
Classification: Uncertain significance for Neuropathy, hereditary sensory and autonomic, type 2A; Generalized epilepsy with febrile seizures plus, type 7. Last evaluated: 2022-12-06. Review status: criteria provided, single submitter. Criteria: Invitae Variant Classification Sherloc (09022015). Collection method: clinical testing. Allele origin: germline.
Comment: This sequence change replaces threonine, which is neutral and polar, with isoleucine, which is neutral and non-polar, at codon 285 of the SCN9A protein (p.Thr285Ile). In summary, the available evidence is currently insufficient to determine the role of this variant in disease. Therefore, it has been classified as a Variant of Uncertain Significance. Advanced modeling of protein sequence and biophysical properties (such as structural, functional, and spatial information, amino acid conservation, physicochemical variation, residue mobility, and thermodynamic stability) performed at Invitae indicates that this missense variant is not expected to disrupt SCN9A protein function. ClinVar contains an entry for this variant (Variation ID: 649291). This variant has not been reported in the literature in individuals affected with SCN9A-related conditions. This variant is not present in population databases (gnomAD no frequency).